The following is an entry in ClinVar:

ClinVar aggregate classification (germline): Conflicting classifications of pathogenicity. Review status: criteria provided, conflicting classifications (1 of 4 stars). 4 submissions from 4 submitters: Uncertain significance (1); Likely benign (2). 1 of the submissions does not count toward it. Last evaluated 2026-07-01.

Conditions:
CREBBP-related disorder. Also called: CREBBP-related condition; CREBBP-related disorders.
Rubinstein-Taybi syndrome (RSTS). Identifiers: Orphanet 783, MedGen C0035934, MONDO:0019188.

Allele frequency attached by ClinVar (database versions not stated): ExAC 0.00005; gnomAD exomes 0.00005 and 0.00015; gnomAD 0.00012 and 0.00013; TOPMed 0.00012; ESP Exome Variant Server 0.00008.
gnomAD v4.1: 262 of 1,613,648 alleles (0.016%); highest among the groups gnomAD compares: Non-Finnish European, 0.019%; no homozygotes.

Submissions (4):

CeGaT Center for Human Genetics Tuebingen
Classification: Likely benign. Last evaluated: 2026-07-01. Review status: criteria provided, single submitter. Criteria: CeGaT Center For Human Genetics Tuebingen Variant Classification Criteria Version 2. Collection method: clinical testing. Allele origin: germline. Affected: yes. Observed: 3 variant alleles.
Comment: CREBBP: BP4, BS2

Labcorp Genetics (formerly Invitae), Labcorp
Classification: Likely benign for Rubinstein-Taybi syndrome. Last evaluated: 2025-04-17. Review status: criteria provided, single submitter. Criteria: Invitae Variant Classification Sherloc (09022015). Collection method: clinical testing. Allele origin: germline.

Eurofins Ntd Llc (ga)
Classification: Uncertain significance. Last evaluated: 2014-03-24. Review status: criteria provided, single submitter. Criteria: EGL Classification Definitions 2015. Collection method: clinical testing. Allele origin: germline. Observed: 1 variant allele, 1 heterozygote.

PreventionGenetics, part of Exact Sciences
Classification: Likely benign for CREBBP-related condition. Last evaluated: 2021-11-03. Review status: no assertion criteria provided. Collection method: clinical testing. Allele origin: germline. Not counted in ClinVar's aggregate classification.
Comment: This variant is classified as likely benign based on ACMG/AMP sequence variant interpretation guidelines (Richards et al. 2015 PMID: 25741868, with internal and published modifications).

NM_004380.3(CREBBP):c.2526G>A (p.Gln842=)

Gene: CREBBP (CREB binding lysine acetyltransferase; minus strand). Cytogenetic location: 16p13.3.
Variant type: single nucleotide variant.
Coding change: c.2526G>A on transcript NM_004380.3 (MANE Select); coding-DNA position 2526, G replaced by A.
Protein change: p.Gln842=; no amino-acid change (glutamine 842 retained).
Molecular consequence: synonymous variant.
Genome position (GRCh38, 1-based): chr16:3,770,924, C>T on the plus strand (G>A on the coding strand, the complement: CREBBP is on the minus strand). VCF-style: chr16-3770924-C-T. GRCh37 (hg19) VCF-style: chr16-3820925-C-T.
Other names: c.2412G>A, p.Gln804= (NM_001079846.1).
Identifiers: ClinVar variation 166964 (VCV000166964.44), dbSNP rs141775567, ClinGen allele CA233867.